The following is an entry in ClinVar:

ClinVar aggregate classification (germline): Uncertain significance (1 of 4 stars; one submission).

Conditions:
Congenital adrenal insufficiency with 46, XY sex reversal OR 46,XY disorder of sex development-adrenal insufficiency due to CYP11A1 deficiency. Also called: Congenital adrenal insuffiency with 46, XY sex reversal OR 46,XY disorder of sex development-adrenal insufficiency due to CYP11A1 deficiency; P450scc DEFICIENCY. Identifiers: Orphanet 168558, MedGen C3151055, MONDO:0013400, OMIM 613743.

Submission:

Neuberg Centre For Genomic Medicine, NCGM
Classification: Uncertain significance for Congenital adrenal insufficiency with 46, XY sex reversal OR 46,XY disorder of sex development-adrenal insufficiency due to CYP11A1 deficiency. Last evaluated: 2023-06-22. Review status: criteria provided, single submitter. Criteria: ACMG Guidelines, 2015. Collection method: clinical testing. Allele origin: germline. Inheritance: Autosomal dominant inheritance. Affected: yes.
Comment: The missense variant c.88C>G (p.Leu30Val) in the CYP11A1 gene has not been reported previously as a pathogenic variant nor as a benign variant, to our knowledge. This variant is absent in the gnomAD Exomes. The amino acid Leu at position 30 is changed to a Val changing protein sequence and it might alter its composition and physico-chemical properties. Computational evidence (Polyphen, SIFT and MutationTaster) predicts conflicting evidence on protein structure and function for this variant. The amino acid change p.Leu30Val in CYP11A1 is predicted as conserved by GERP++ and PhyloP across 100 vertebrates. For these reasons, this variant has been classified as Uncertain Significance.

NM_000781.3(CYP11A1):c.88C>G (p.Leu30Val)

Gene: CYP11A1 (cytochrome P450 family 11 subfamily A member 1; minus strand). Cytogenetic location: 15q24.1.
Variant type: single nucleotide variant.
Coding change: c.88C>G on transcript NM_000781.3 (MANE Select); coding-DNA position 88, C replaced by G.
Protein change: p.Leu30Val; replaces leucine 30 with valine.
Molecular consequence: missense variant.
Genome position (GRCh38, 1-based): chr15:74,367,498, G>C on the plus strand (C>G on the coding strand, the complement: CYP11A1 is on the minus strand). VCF-style: chr15-74367498-G-C. GRCh37 (hg19) VCF-style: chr15-74659839-G-C.
Other names: short protein forms L30V.
Identifiers: ClinVar variation 3377723 (VCV003377723.1).
Genomic context (GRCh38, chr15:74,367,498, plus strand): 5'-CATTGAAGGGGCGAGGACTGCGGGTGGAGATGCCAGCTCCCTCGCCAGTGGGCACCCTGA[G>C]ACGCCCCAGCCCCTCCCTGGGGGCACTCAGAAAGGTCTGGCAGCCTTTGACCAGGACTGA-3'
Protein context (NP_000772.2, residues 20-40): LSAPREGLGR[Leu30Val]RVPTGEGAGI